The following is an entry in ClinVar:

ClinVar aggregate classification (germline): Uncertain significance (1 of 4 stars; one submission).

Conditions:
Catecholaminergic polymorphic ventricular tachycardia 1. Also called: VENTRICULAR TACHYCARDIA, CATECHOLAMINERGIC POLYMORPHIC, 1, WITH OR WITHOUT ATRIAL DYSFUNCTION AND/OR DILATED CARDIOMYOPATHY; RYR2-Related Catecholaminergic Polymorphic Ventricular Tachycardia; VENTRICULAR TACHYCARDIA, STRESS-INDUCED POLYMORPHIC 1. Identifiers: Orphanet 3286, MedGen C1631597, MONDO:0011484, OMIM 604772.

Submission:

Labcorp Genetics (formerly Invitae), Labcorp
Classification: Uncertain significance for Catecholaminergic polymorphic ventricular tachycardia 1. Last evaluated: 2016-12-25. Review status: criteria provided, single submitter. Criteria: Invitae Variant Classification Sherloc (09022015). Collection method: clinical testing. Allele origin: germline.
Comment: Algorithms developed to predict the effect of missense changes on protein structure and function do not agree on the potential impact of this missense change (SIFT: "Deleterious"; PolyPhen-2: "Possibly Damaging"; Align-GVGD: "Class C15"). This sequence change replaces leucine with phenylalanine at codon 3242 of the RYR2 protein (p.Leu3242Phe). The leucine residue is highly conserved and there is a small physicochemical difference between leucine and phenylalanine. This variant is not present in population databases (ExAC no frequency) and has not been reported in the literature in individuals with a RYR2-related disease. In summary, this variant is a novel missense change with uncertain impact on protein function. It has been classified as a Variant of Uncertain Significance.

NM_001035.3(RYR2):c.9724C>T (p.Leu3242Phe)

Gene: RYR2 (ryanodine receptor 2; plus strand). Cytogenetic location: 1q43.
Variant type: single nucleotide variant.
Coding change: c.9724C>T on transcript NM_001035.3 (MANE Select); coding-DNA position 9724, C replaced by T.
Protein change: p.Leu3242Phe; replaces leucine 3242 with phenylalanine.
Molecular consequence: missense variant.
Genome position (GRCh38, 1-based): chr1:237,707,092, C>T. VCF-style: chr1-237707092-C-T. GRCh37 (hg19) VCF-style: chr1-237870392-C-T.
Other names: c.9724C>T, p.Leu3242Phe (LRG_402t1); short protein forms L3242F.
Identifiers: ClinVar variation 404204 (VCV000404204.10), dbSNP rs1060500147, ClinGen allele CA16610018.
Genomic context (GRCh38, chr1:237,707,092, plus strand): 5'-GCCGAGTCCGGCATTCGCTACACTCAAATGCCACATGTCATGGAAGTCATACTGCCCATG[C>T]TTTGCAGCTACATGTCTCGTTGGTGGGAGCATGGACCTGAGAACAATCCAGAACGGGCCG-3'
Protein context (NP_001026.2, residues 3232-3252): PHVMEVILPM[Leu3242Phe]CSYMSRWWEH